The following is an entry in ClinVar:

NM_198334.3(GANAB):c.2068C>G (p.Pro690Ala)

Gene: GANAB (glucosidase II alpha subunit; minus strand). Cytogenetic location: 11q12.3.
Variant type: single nucleotide variant.
Coding change: c.2068C>G on transcript NM_198334.3 (MANE Select); coding-DNA position 2068, C replaced by G.
Protein change: p.Pro690Ala; replaces proline 690 with alanine.
Molecular consequence: missense variant.
Genome position (GRCh38, 1-based): chr11:62,628,881, G>C on the plus strand (C>G on the coding strand, the complement: GANAB is on the minus strand). VCF-style: chr11-62628881-G-C. GRCh37 (hg19) VCF-style: chr11-62396353-G-C.
Other names: c.2134C>G (NM_198335.2, NM_198335.3); c.1792C>G, p.Pro598Ala (NM_001278192.2); c.1726C>G, p.Pro576Ala (NM_001278193.2); c.1777C>G, p.Pro593Ala (NM_001278194.2, NM_001329222.2, NM_001329223.2); c.1345C>G, p.Pro449Ala (NM_001329224.2, NM_001329225.2); c.2134C>G, p.Pro712Ala (NM_198335.4); short protein forms P593A, P712A, P576A, P690A, P449A, P598A.
Identifiers: ClinVar variation 3599852 (VCV003599852.3).

ClinVar aggregate classification (germline): Conflicting classifications of pathogenicity. Review status: criteria provided, conflicting classifications (1 of 4 stars). 3 submissions from 3 submitters: Uncertain significance (2); Likely benign (1). Last evaluated 2025-04-01.

Conditions:
Inborn genetic diseases. Identifiers: MedGen C0950123, MeSH D030342.
GANAB-related disorder. Also called: GANAB-related condition.
Polycystic kidney disease 3 with or without polycystic liver disease. Also called: Polycystic kidney disease 3; POLYCYSTIC KIDNEY DISEASE, ADULT, TYPE III; Polycystic Kidney and/or Polycystic Liver Disease 3. Identifiers: MedGen C3887964, MONDO:0010916, OMIM 600666.

gnomAD v4.1: 9 of 1,614,018 alleles (0.00056%); highest among the groups gnomAD compares: Admixed American, 0.012%; 1 homozygote.

Submissions (3):

Ambry Genetics
Classification: Likely benign for Inborn genetic diseases. Last evaluated: 2025-04-01. Review status: criteria provided, single submitter. Criteria: Ambry Variant Classification Scheme 2023. Collection method: clinical testing. Allele origin: germline.

PreventionGenetics, part of Exact Sciences
Classification: Uncertain significance for GANAB-related condition. Last evaluated: 2024-11-19. Review status: criteria provided, single submitter. Criteria: ACMG Guidelines, 2015. Collection method: clinical testing. Allele origin: germline.
Comment: The GANAB c.2134C>G variant is predicted to result in the amino acid substitution p.Pro712Ala. To our knowledge, this variant has not been reported in the literature. Of note, at the position of codon 712 is an alanine (Ala) in rat and mouse. This variant is reported in 0.0086% of alleles in individuals of the admixed American population in gnomAD. At this time, the clinical significance of this variant is uncertain due to the absence of conclusive functional and genetic evidence.

Fulgent Genetics
Classification: Uncertain significance for Polycystic kidney disease 3 with or without polycystic liver disease. Last evaluated: 2024-02-08. Review status: criteria provided, single submitter. Criteria: ACMG Guidelines, 2015. Collection method: clinical testing. Allele origin: germline.